The following is an entry in ClinVar:

NM_000548.5(TSC2):c.-5C>T

Gene: TSC2 (TSC complex subunit 2; plus strand). Cytogenetic location: 16p13.3.
Variant type: single nucleotide variant.
Coding change: c.-5C>T on transcript NM_000548.5 (MANE Select); 5 bases upstream of the start codon, C replaced by T.
Molecular consequence: 5 prime UTR variant. On other transcripts: missense variant (1), non-coding transcript variant (5), intron variant (6).
Genome position (GRCh38, 1-based): chr16:2,048,611, C>T. VCF-style: chr16-2048611-C-T. GRCh37 (hg19) VCF-style: chr16-2098612-C-T.
Other names: c.-5C>T (NM_001077183.3, NM_001114382.3, NM_001318827.2 and 13 more transcripts); c.-231C>T (NM_001318831.2, NM_001406682.1, NM_001406684.1 and 2 more transcripts); c.29C>T, p.Ser10Phe (NM_001318832.2); c.-821C>T (NM_001406680.1, NM_001406683.1, NM_001406687.1); c.-450C>T (NM_001406681.1); c.-1436C>T (NM_001406689.1, NM_001406690.1, NM_001406691.1 and 2 more transcripts); c.-1742C>T (NM_001406693.1); c.-1317C>T (NM_001406694.1, NM_001406695.1); and 4 more; short protein forms S10F.
Identifiers: ClinVar variation 2626428 (VCV002626428.2), dbSNP rs1423798557, ClinGen allele CA394300358.
Genomic context (GRCh38, chr16:2,048,611, plus strand): 5'-TGCTCAGATGTCCCCATTCCTGTTTCGTTTGCACAGAGGGGTTTTCTGGTGCGTCCTGGT[C>T]CACCATGGCCAAACCAACAAGCAAAGATTCAGGCTTGAAGGAGAAGTTTAAGATTCTGTT-3'

ClinVar aggregate classification (germline): Uncertain significance (1 of 4 stars; one submission).

Conditions:
Hereditary cancer-predisposing syndrome. Also called: Tumor predisposition; Hereditary Cancer Syndrome; Hereditary neoplastic syndrome; Neoplastic Syndromes, Hereditary. Identifiers: Orphanet 140162, MedGen C0027672, MeSH D009386, MONDO:0015356.

Allele frequency attached by ClinVar (database versions not stated): gnomAD exomes below 0.00001.
gnomAD v4.1: 3 of 1,613,762 alleles (0.00019%); highest among the groups gnomAD compares: South Asian, 0.0022%; no homozygotes.

Submission:

Ambry Genetics
Classification: Uncertain significance for Hereditary cancer-predisposing syndrome. Last evaluated: 2023-08-03. Review status: criteria provided, single submitter. Criteria: Ambry Variant Classification Scheme 2023. Collection method: clinical testing. Allele origin: germline.
Comment: The c.-5C>T variant is located in the 5' untranslated region (5&rsquo; UTR) of the TSC2 gene. This variant results from a C to T substitution 5 bases upstream from the first translated codon. This nucleotide position is well conserved in available vertebrate species. Since supporting evidence is limited at this time, the clinical significance of this alteration remains unclear.